The following is an entry in ClinVar:

NM_031418.4(ANO3):c.2576+6G>T

Gene: ANO3 (anoctamin 3; plus strand). Cytogenetic location: 11p14.2.
Variant type: single nucleotide variant.
Coding change: c.2576+6G>T on transcript NM_031418.4 (MANE Select); 6 bases into the intron after coding-DNA position 2576, G replaced by T.
Molecular consequence: intron variant.
Genome position (GRCh38, 1-based): chr11:26,647,862, G>T. VCF-style: chr11-26647862-G-T. GRCh37 (hg19) VCF-style: chr11-26669409-G-T.
Other names: c.2759+6G>T (NM_001313726.2); c.2138+6G>T (NM_001313727.2).
Identifiers: ClinVar variation 2775470 (VCV002775470.3), dbSNP rs752093547, ClinGen allele CA219414038.
Genomic context (GRCh38, chr11:26,647,862, plus strand): 5'-TTGTTTATGAATACAAATATGGCCCCTGTGCAAATCATGTAGAACCAAGTGAAAAGTAAG[G>T]TTTAAATTTAAACATTTTCCTGATATGTTTTACATTTGTAATTAAAATAGGATCTTACTG-3'

ClinVar aggregate classification (germline): Uncertain significance (1 of 4 stars; one submission).

Conditions:
Dystonic disorder. Also called: Dystonia. Identifiers: MedGen C0013421, MONDO:0003441, HP:0001332.

Allele frequency attached by ClinVar (database versions not stated): TOPMed below 0.00001.

Submission:

Labcorp Genetics (formerly Invitae), Labcorp
Classification: Uncertain significance for Dystonic disorder. Last evaluated: 2023-03-27. Review status: criteria provided, single submitter. Criteria: Invitae Variant Classification Sherloc (09022015). Collection method: clinical testing. Allele origin: germline.
Comment: In summary, the available evidence is currently insufficient to determine the role of this variant in disease. Therefore, it has been classified as a Variant of Uncertain Significance. Variants that disrupt the consensus splice site are a relatively common cause of aberrant splicing (PMID: 17576681, 9536098). Algorithms developed to predict the effect of sequence changes on RNA splicing suggest that this variant is not likely to affect RNA splicing. This variant has not been reported in the literature in individuals affected with ANO3-related conditions. This variant is not present in population databases (gnomAD no frequency). This sequence change falls in intron 24 of the ANO3 gene. It does not directly change the encoded amino acid sequence of the ANO3 protein. It affects a nucleotide within the consensus splice site.

Literature cited by the submitters: PubMed 17576681; PubMed 9536098.